The following is an entry in ClinVar:

ClinVar aggregate classification (germline): Conflicting classifications of pathogenicity. Review status: criteria provided, conflicting classifications (1 of 4 stars). 3 submissions from 3 submitters: Uncertain significance (2); Likely benign (1). Last evaluated 2024-10-01.

Conditions:
Inflammatory bowel disease 25. Also called: Inflammatory bowel disease 25, early onset, autosomal recessive. Identifiers: Orphanet 238569, MedGen C2675508, MONDO:0012941, OMIM 612567.
Inborn genetic diseases. Identifiers: MedGen C0950123, MeSH D030342.

Allele frequency attached by ClinVar (database versions not stated): ExAC 0.00001; gnomAD exomes 0.00003; gnomAD 0.00006 and 0.00007; TOPMed 0.00006; ESP Exome Variant Server 0.00008.
gnomAD v4.1: 31 of 1,613,756 alleles (0.0019%); highest among the groups gnomAD compares: Admixed American, 0.02%; no homozygotes.

Submissions (3):

Ambry Genetics
Classification: Likely benign for Inborn genetic diseases. Last evaluated: 2024-10-01. Review status: criteria provided, single submitter. Criteria: Ambry Variant Classification Scheme 2023. Collection method: clinical testing. Allele origin: germline.

Labcorp Genetics (formerly Invitae), Labcorp
Classification: Uncertain significance for Inflammatory bowel disease 25. Last evaluated: 2022-05-26. Review status: criteria provided, single submitter. Criteria: Invitae Variant Classification Sherloc (09022015). Collection method: clinical testing. Allele origin: germline.
Comment: This sequence change replaces glycine, which is neutral and non-polar, with arginine, which is basic and polar, at codon 316 of the IL10RB protein (p.Gly316Arg). This variant is present in population databases (rs370841672, gnomAD 0.02%). This variant has not been reported in the literature in individuals affected with IL10RB-related conditions. ClinVar contains an entry for this variant (Variation ID: 935606). Algorithms developed to predict the effect of missense changes on protein structure and function (SIFT, PolyPhen-2, Align-GVGD) all suggest that this variant is likely to be tolerated. In summary, the available evidence is currently insufficient to determine the role of this variant in disease. Therefore, it has been classified as a Variant of Uncertain Significance.

Mayo Clinic Laboratories, Mayo Clinic
Classification: Uncertain significance. Last evaluated: 2021-02-02. Review status: criteria provided, single submitter. Criteria: ACMG Guidelines, 2015. Collection method: clinical testing. Allele origin: germline. Observed: 1 variant allele.

NM_000628.5(IL10RB):c.946G>A (p.Gly316Arg)

Genes: IL10RB (interleukin 10 receptor subunit beta; plus strand), IFNAR2-IL10RB (IFNAR2-IL10RB readthrough; plus strand). Cytogenetic location: 21q22.11.
Variant type: single nucleotide variant.
Coding change: c.946G>A on transcript NM_000628.5 (MANE Select); coding-DNA position 946, G replaced by A.
Protein change: p.Gly316Arg; replaces glycine 316 with arginine.
Molecular consequence: missense variant.
Genome position (GRCh38, 1-based): chr21:33,296,325, G>A. VCF-style: chr21-33296325-G-A. GRCh37 (hg19) VCF-style: chr21-34668630-G-A.
Other names: c.946G>A (NM_000628.3); short protein forms G316R.
Identifiers: ClinVar variation 935606 (VCV000935606.12), dbSNP rs370841672, ClinGen allele CA10006291.